The following is an entry in ClinVar:

ClinVar aggregate classification (germline): Likely benign (1 of 4 stars; one submission).

Submission:

CeGaT Center for Human Genetics Tuebingen
Classification: Likely benign. Last evaluated: 2023-01-01. Review status: criteria provided, single submitter. Criteria: CeGaT Center For Human Genetics Tuebingen Variant Classification Criteria Version 2. Collection method: clinical testing. Allele origin: germline. Affected: yes. Observed: 1 variant allele.
Comment: DTNA: BP4

NM_001386795.1(DTNA):c.604-7dup

Gene: DTNA (dystrobrevin alpha; plus strand). Cytogenetic location: 18q12.1.
Variant type: Duplication.
Coding change: c.604-7dup on transcript NM_001386795.1 (MANE Select); 7 bases into the intron before coding-DNA position 604, one base duplicated (T; older notation c.604-7dupT).
Molecular consequence: intron variant.
Genome position (GRCh38, 1-based): chr18:34,815,902, T duplicated; the last of 7 consecutive T bases (chr18:34,815,896-34,815,902); duplicating any one gives the same sequence. VCF-style (leftmost placement, unchanged base first): chr18-34815895-G-GT. GRCh37 (hg19) VCF-style: chr18-32395859-G-GT.
Other names: c.604-7dup (NM_032975.4, NM_001386761.1, NM_001386762.1 and 34 more transcripts); c.603+3789dup (NM_001198945.2).
Identifiers: ClinVar variation 2498737 (VCV002498737.28), dbSNP rs778948193, ClinGen allele CA8935424.
Genomic context (GRCh38, chr18:34,815,895, plus strand): 5'-TGATATGATATTTACATAGCAGGTAAATTGAGATGATTCTCTGTCCTAAATTTATGGGGG[G>GT]TTTTTTTATGCAGAAAAAAGTCACGTTAAATGGTTTCTTGGACACGCTTATGTCAGATCC-3'